The following is an entry in ClinVar:

NM_003070.5(SMARCA2):c.2884-4G>A

Gene: SMARCA2 (SWI/SNF related BAF chromatin remodeling complex subunit ATPase 2; plus strand). Cytogenetic location: 9p24.3.
Variant type: single nucleotide variant.
Coding change: c.2884-4G>A on transcript NM_003070.5 (MANE Select); 4 bases into the intron before coding-DNA position 2884, G replaced by A.
Molecular consequence: intron variant.
Genome position (GRCh38, 1-based): chr9:2,096,653, G>A. VCF-style: chr9-2096653-G-A. GRCh37 (hg19) VCF-style: chr9-2096653-G-A.
Other names: c.2884-4G>A (NM_139045.4, NM_001289396.2); c.2710-4G>A (NM_001289397.2).
Identifiers: ClinVar variation 2150818 (VCV002150818.6), dbSNP rs371351154, ClinGen allele CA4963603.

ClinVar aggregate classification (germline): Likely benign. Review status: criteria provided, single submitter (1 of 4 stars). 2 submissions from 2 submitters: Likely benign (1). 1 of the submissions does not count toward it. Last evaluated 2022-08-29.

Conditions:
SMARCA2-related disorder. Also called: SMARCA2-related condition.

Allele frequency attached by ClinVar (database versions not stated): gnomAD 0.00001; ExAC 0.00003; TOPMed 0.00003; ESP Exome Variant Server 0.00008.
gnomAD v4.1: 75 of 1,604,116 alleles (0.0047%); highest among the groups gnomAD compares: Non-Finnish European, 0.0063%; no homozygotes.

Submissions (2):

Labcorp Genetics (formerly Invitae), Labcorp
Classification: Likely benign. Last evaluated: 2022-08-29. Review status: criteria provided, single submitter. Criteria: Invitae Variant Classification Sherloc (09022015). Collection method: clinical testing. Allele origin: germline.

PreventionGenetics, part of Exact Sciences
Classification: Likely benign for SMARCA2-related condition. Last evaluated: 2022-04-18. Review status: no assertion criteria provided. Collection method: clinical testing. Allele origin: germline. Not counted in ClinVar's aggregate classification.
Comment: This variant is classified as likely benign based on ACMG/AMP sequence variant interpretation guidelines (Richards et al. 2015 PMID: 25741868, with internal and published modifications).